The following is an entry in ClinVar:

NM_001080453.3(INTS1):c.5234C>T (p.Thr1745Met)

Gene: INTS1 (integrator complex subunit 1; minus strand). Cytogenetic location: 7p22.3.
Variant type: single nucleotide variant.
Coding change: c.5234C>T on transcript NM_001080453.3 (MANE Select); coding-DNA position 5234, C replaced by T.
Protein change: p.Thr1745Met; replaces threonine 1745 with methionine.
Molecular consequence: missense variant.
Genome position (GRCh38, 1-based): chr7:1,476,373, G>A on the plus strand (C>T on the coding strand, the complement: INTS1 is on the minus strand). VCF-style: chr7-1476373-G-A. GRCh37 (hg19) VCF-style: chr7-1516009-G-A.
Other names: short protein forms T1745M.
Identifiers: ClinVar variation 3252651 (VCV003252651.2), dbSNP rs775566577.

ClinVar aggregate classification (germline): Uncertain significance. Review status: criteria provided, multiple submitters, no conflicts (2 of 4 stars). 2 submissions from 2 submitters: Uncertain significance (2). Last evaluated 2025-08-10.

Conditions:
Inborn genetic diseases. Identifiers: MedGen C0950123, MeSH D030342.

Allele frequency attached by ClinVar (database versions not stated): gnomAD exomes 0.00001; gnomAD 0.00002; ExAC 0.00004; TOPMed 0.00006.
gnomAD v4.1: 23 of 1,577,070 alleles (0.0015%); highest among the groups gnomAD compares: Middle Eastern, 0.033%; no homozygotes.

Submissions (2):

Ambry Genetics
Classification: Uncertain significance for Inborn genetic diseases. Last evaluated: 2025-08-10. Review status: criteria provided, single submitter. Criteria: Ambry Variant Classification Scheme 2023. Collection method: clinical testing. Allele origin: germline.

GeneDx
Classification: Uncertain significance. Last evaluated: 2023-12-14. Review status: criteria provided, single submitter. Criteria: GeneDx Variant Classification Process June 2021. Collection method: clinical testing. Allele origin: germline. Affected: yes.
Comment: In silico analysis supports that this missense variant does not alter protein structure/function; Has not been previously published as pathogenic or benign to our knowledge